The following is an entry in ClinVar:

NM_024408.4(NOTCH2):c.3579T>A (p.Asn1193Lys)

Gene: NOTCH2 (notch receptor 2; minus strand). Cytogenetic location: 1p12.
Variant type: single nucleotide variant.
Coding change: c.3579T>A on transcript NM_024408.4 (MANE Select); coding-DNA position 3579, T replaced by A.
Protein change: p.Asn1193Lys; replaces asparagine 1193 with lysine.
Molecular consequence: missense variant.
Genome position (GRCh38, 1-based): chr1:119,935,548, A>T on the plus strand (T>A on the coding strand, the complement: NOTCH2 is on the minus strand). VCF-style: chr1-119935548-A-T. GRCh37 (hg19) VCF-style: chr1-120478171-A-T.
Other names: c.3579T>A, p.Asn1193Lys (NM_001200001.2); short protein forms N1193K.
Identifiers: ClinVar variation 4771300 (VCV004771300.1).

ClinVar aggregate classification (germline): Uncertain significance (1 of 4 stars; one submission).

Conditions:
Hajdu-Cheney syndrome (HJCYS). Also called: ACROOSTEOLYSIS WITH OSTEOPOROSIS AND CHANGES IN SKULL AND MANDIBLE; Acroosteolysis dominant type; SERPENTINE FIBULA-POLYCYSTIC KIDNEY SYNDROME. Identifiers: Orphanet 955, MedGen C0917715, MONDO:0007057, OMIM 102500.

gnomAD v4.1: 2 of 1,614,202 alleles (0.00012%); highest among the groups gnomAD compares: Admixed American, 0.0017%; no homozygotes.

Submission:

Labcorp Genetics (formerly Invitae), Labcorp
Classification: Uncertain significance for Hajdu-Cheney syndrome. Last evaluated: 2025-12-22. Review status: criteria provided, single submitter. Criteria: Invitae Variant Classification Sherloc (09022015). Collection method: clinical testing. Allele origin: germline.
Comment: This sequence change replaces asparagine, which is neutral and polar, with lysine, which is basic and polar, at codon 1193 of the NOTCH2 protein (p.Asn1193Lys). This variant is not present in population databases (gnomAD no frequency). This variant has not been reported in the literature in individuals affected with NOTCH2-related conditions. Invitae Evidence Modeling of protein sequence and biophysical properties (such as structural, functional, and spatial information, amino acid conservation, physicochemical variation, residue mobility, and thermodynamic stability) indicates that this missense variant is not expected to disrupt NOTCH2 protein function with a negative predictive value of 80%. In summary, the available evidence is currently insufficient to determine the role of this variant in disease. Therefore, it has been classified as a Variant of Uncertain Significance.